The following is an entry in ClinVar:

ClinVar aggregate classification (germline): Uncertain significance (1 of 4 stars; one submission).

Conditions:
Charcot-Marie-Tooth disease type 2. Also called: Charcot-Marie-Tooth type 2. Identifiers: Orphanet 64746, MedGen C0270914, MONDO:0018993.

Allele frequency attached by ClinVar (database versions not stated): gnomAD exomes below 0.00001.
gnomAD v4.1: 2 of 1,614,100 alleles (0.00012%); highest among the groups gnomAD compares: Non-Finnish European, 0.00017%; no homozygotes.

Submission:

Labcorp Genetics (formerly Invitae), Labcorp
Classification: Uncertain significance for Charcot-Marie-Tooth disease type 2. Last evaluated: 2024-08-19. Review status: criteria provided, single submitter. Criteria: Invitae Variant Classification Sherloc (09022015). Collection method: clinical testing. Allele origin: germline.
Comment: This sequence change replaces valine, which is neutral and non-polar, with phenylalanine, which is neutral and non-polar, at codon 163 of the BSCL2 protein (p.Val163Phe). This variant is not present in population databases (gnomAD no frequency). This variant has not been reported in the literature in individuals affected with BSCL2-related conditions. ClinVar contains an entry for this variant (Variation ID: 581808). Invitae Evidence Modeling of protein sequence and biophysical properties (such as structural, functional, and spatial information, amino acid conservation, physicochemical variation, residue mobility, and thermodynamic stability) indicates that this missense variant is not expected to disrupt BSCL2 protein function with a negative predictive value of 80%. In summary, the available evidence is currently insufficient to determine the role of this variant in disease. Therefore, it has been classified as a Variant of Uncertain Significance.

NM_001122955.4(BSCL2):c.679G>T (p.Val227Phe)

Genes: HNRNPUL2-BSCL2 (HNRNPUL2-BSCL2 readthrough (NMD candidate); minus strand), BSCL2 (BSCL2 lipid droplet biogenesis associated, seipin; minus strand). Cytogenetic location: 11q12.3.
Variant type: single nucleotide variant.
Coding change: c.679G>T on transcript NM_001122955.4 (MANE Select); coding-DNA position 679, G replaced by T.
Protein change: p.Val227Phe; replaces valine 227 with phenylalanine.
Molecular consequence: missense variant. On other transcripts: non-coding transcript variant (1).
Genome position (GRCh38, 1-based): chr11:62,692,749, C>A on the plus strand (G>T on the coding strand, the complement: BSCL2 is on the minus strand). VCF-style: chr11-62692749-C-A. GRCh37 (hg19) VCF-style: chr11-62460221-C-A.
Other names: c.487G>T, p.Val163Phe (NM_001130702.2, NM_032667.6); c.679G>T, p.Val227Phe (NM_001386027.1, NM_001386028.1); short protein forms V227F, V163F.
Identifiers: ClinVar variation 581808 (VCV000581808.8), dbSNP rs1565144788, ClinGen allele CA380963063.
Genomic context (GRCh38, chr11:62,692,749, plus strand): 5'-GTTCCACCTCCAGCAGCTGCTTCTGCTCTGCAAAGCCAAATAGCAGGAGGCTAGAGAAGA[C>A]CAGTGTGTCCAGCATCTGGAGCAGGTCTGAGCGGTAATGCAGCATCACCTGCCGGGGGTG-3'
Protein context (NP_001116427.1, residues 217-237): SDLLQMLDTL[Val227Phe]FSSLLLFGFA